The following is an entry in ClinVar:

NM_003201.3(TFAM):c.221-16T>C

Gene: TFAM (transcription factor A, mitochondrial; plus strand). Cytogenetic location: 10q21.1.
Variant type: single nucleotide variant.
Coding change: c.221-16T>C on transcript NM_003201.3 (MANE Select); 16 bases into the intron before coding-DNA position 221, T replaced by C.
Molecular consequence: intron variant.
Genome position (GRCh38, 1-based): chr10:58,388,174, T>C. VCF-style: chr10-58388174-T-C. GRCh37 (hg19) VCF-style: chr10-60147934-T-C.
Other names: c.221-16T>C (NM_001270782.2).
Identifiers: ClinVar variation 672912 (VCV000672912.10), dbSNP rs2277256, ClinGen allele CA5507907.
Genomic context (GRCh38, chr10:58,388,174, plus strand): 5'-TTTCCTGGATATCTTTAGAAATTAATCCTGAGAGGTAAAATTGTGGCATCTTTTTTCTTT[T>C]TATTTCATTCCATAGATGCAAAAACTACAGAACTAATTAGAAGAATTGCCCAGCGTTGGA-3'

ClinVar aggregate classification (germline): Benign. Review status: criteria provided, multiple submitters, no conflicts (2 of 4 stars). 3 submissions from 3 submitters: Benign (3). Last evaluated 2026-02-01.

Allele frequency attached by ClinVar (database versions not stated): TOPMed 0.02098; ESP Exome Variant Server 0.02261; ExAC 0.03770; gnomAD 0.02568; 1000 Genomes Project 30x 0.02920; 1000 Genomes Project 0.03155; gnomAD exomes 0.03641.
gnomAD v4.1: 52,966 of 1,610,580 alleles (3.3%); highest among the groups gnomAD compares: South Asian, 7.3%; 1,148 homozygotes.

Submissions (3):

Labcorp Genetics (formerly Invitae), Labcorp
Classification: Benign. Last evaluated: 2026-02-01. Review status: criteria provided, single submitter. Criteria: Invitae Variant Classification Sherloc (09022015). Collection method: clinical testing. Allele origin: germline.

GeneDx
Classification: Benign. Last evaluated: 2018-06-14. Review status: criteria provided, single submitter. Criteria: GeneDx Variant Classification (06012015). Collection method: clinical testing. Allele origin: germline. Affected: yes.
Comment: This variant is considered likely benign or benign based on one or more of the following criteria: it is a conservative change, it occurs at a poorly conserved position in the protein, it is predicted to be benign by multiple in silico algorithms, and/or has population frequency not consistent with disease.

Breakthrough Genomics
Classification: Benign. Review status: criteria provided, single submitter. Criteria: ACMG Guidelines, 2015. Collection method: not provided. Allele origin: germline. Inheritance: Autosomal recessive inheritance. Affected: yes.